The following is an entry in ClinVar:

ClinVar aggregate classification (germline): Likely pathogenic (1 of 4 stars; one submission).

Conditions:
Pelizaeus-Merzbacher disease. Also called: LEUKODYSTROPHY, HYPOMYELINATING, 1; Sudanophilic leukodystrophy; Pelizaeus-Merzbacher spectrum disorder; Pelizaeus-Merzbacher Disease (PMD); Pelizeaus-Merzbacher spectrum disorder. Identifiers: Orphanet 702, MedGen C0205711, MONDO:0010714, OMIM 312080, HP:0003269.

Submission:

Molecular Diagnostics Lab, Nemours Children's Health, Delaware
Classification: Likely pathogenic for Pelizaeus-Merzbacher disease. Last evaluated: 2021-02-26. Review status: criteria provided, single submitter. Criteria: ACMG Guidelines, 2015. Collection method: clinical testing. Allele origin: unknown. Inheritance: X-linked inheritance. Affected: yes. Observed: 1 hemizygote.
Comment: This missense variant (c.221G>A, p.Gly74Glu) has not been observed in population databases (gnomAD). It has not been described in the literature. Variant prediction programs suggest a deleterious effect on the PLP1 protein, but no functional studies have been published.

NM_000533.5(PLP1):c.221G>A (p.Gly74Glu)

Genes: PLP1 (proteolipid protein 1; plus strand), RAB9B (RAB9B, member RAS oncogene family; minus strand). Cytogenetic location: Xq22.2.
Variant type: single nucleotide variant.
Coding change: c.221G>A on transcript NM_000533.5 (MANE Select); coding-DNA position 221, G replaced by A.
Protein change: p.Gly74Glu; replaces glycine 74 with glutamic acid.
Molecular consequence: missense variant.
Genome position (GRCh38, 1-based): chrX:103,786,494, G>A. VCF-style: chrX-103786494-G-A. GRCh37 (hg19) VCF-style: chrX-103041423-G-A.
Other names: c.221G>A, p.Gly74Glu (NM_001128834.3, NM_199478.3); c.56G>A, p.Gly19Glu (NM_001305004.1); short protein forms G19E, G74E.
Identifiers: ClinVar variation 3255410 (VCV003255410.2), dbSNP rs2522306764.